The following is an entry in ClinVar:

ClinVar aggregate classification (germline): Conflicting classifications of pathogenicity. Review status: criteria provided, conflicting classifications (1 of 4 stars). 3 submissions from 3 submitters: Likely pathogenic (1); Uncertain significance (2). Last evaluated 2024-09-12.

Conditions:
Kufor-Rakeb syndrome (KRS). Also called: PARKINSON DISEASE 9, AUTOSOMAL RECESSIVE, JUVENILE-ONSET. Identifiers: Orphanet 306674, Orphanet 314632, MedGen C1847640, MONDO:0011706, OMIM 606693.
Autosomal recessive spastic paraplegia type 78. Identifiers: Orphanet 513436, MedGen C5567893, MONDO:0014975, OMIM 617225.

Allele frequency attached by ClinVar (database versions not stated): ExAC 0.00002; gnomAD 0.00004 and 0.00005; gnomAD exomes 0.00004 and 0.00005; TOPMed 0.00004; ESP Exome Variant Server 0.00015.
gnomAD v4.1: 62 of 1,613,352 alleles (0.0038%); highest among the groups gnomAD compares: Non-Finnish European, 0.0047%; no homozygotes.

Submissions (3):

Women's Health and Genetics/Laboratory Corporation of America, LabCorp
Classification: Uncertain significance. Last evaluated: 2024-09-12. Review status: criteria provided, single submitter. Criteria: LabCorp Variant Classification Summary - May 2015. Collection method: clinical testing. Allele origin: germline.
Comment: Variant summary: ATP13A2 c.943G>A (p.Gly315Arg) results in a non-conservative amino acid change in the encoded protein sequence. Five of five in-silico tools predict a damaging effect of the variant on protein function. The variant allele was found at a frequency of 4.8e-05 in 249268 control chromosomes. This frequency is not significantly higher than estimated for a pathogenic variant in ATP13A2 causing Neurodegeneration With Brain Iron Accumulation (4.8e-05 vs 0.00019), allowing no conclusion about variant significance. c.943G>A has been reported in the literature in the presumed compound heterozygous state in at least 1 individual affected with clinical features of ATP13A2-related conditions (example, Kumar_2022). These data do not allow any conclusion about variant significance. To our knowledge, no experimental evidence demonstrating an impact on protein function has been reported. The following publication has been ascertained in the context of this evaluation (PMID: 36065636). ClinVar contains an entry for this variant (Variation ID: 209136). Based on the evidence outlined above, the variant was classified as uncertain significance.

Labcorp Genetics (formerly Invitae), Labcorp
Classification: Uncertain significance for Kufor-Rakeb syndrome; Autosomal recessive spastic paraplegia type 78. Last evaluated: 2024-03-25. Review status: criteria provided, single submitter. Criteria: Invitae Variant Classification Sherloc (09022015). Collection method: clinical testing. Allele origin: germline.
Comment: This sequence change replaces glycine, which is neutral and non-polar, with arginine, which is basic and polar, at codon 315 of the ATP13A2 protein (p.Gly315Arg). This variant is present in population databases (rs150519745, gnomAD 0.01%). This variant has not been reported in the literature in individuals affected with ATP13A2-related conditions. ClinVar contains an entry for this variant (Variation ID: 209136). Advanced modeling of protein sequence and biophysical properties (such as structural, functional, and spatial information, amino acid conservation, physicochemical variation, residue mobility, and thermodynamic stability) performed at Invitae indicates that this missense variant is expected to disrupt ATP13A2 protein function with a positive predictive value of 80%. In summary, the available evidence is currently insufficient to determine the role of this variant in disease. Therefore, it has been classified as a Variant of Uncertain Significance.

Baylor Genetics
Classification: Likely pathogenic for Parkinson disease 9. Last evaluated: 2013-01-29. Review status: criteria provided, single submitter. Criteria: Yang et al. 2013. Collection method: clinical testing. Allele origin: germline. Inheritance: Autosomal recessive inheritance. Affected: yes. Observed: 1 variant allele, 1 compound heterozygote. Study: Adult_WES.
Comment: Likely pathogenicity based on finding it in an individual with another deleterious variant in the gene (c.348-9_351del13; parents unavailable to determine phase).

Literature cited by the submitters: PubMed 36065636 (cited by Women's Health and Genetics/Laboratory Corporation of America, LabCorp); PubMed 26633545 (cited by Baylor Genetics).

NM_022089.4(ATP13A2):c.943G>A (p.Gly315Arg)

Gene: ATP13A2 (ATPase cation transporting 13A2; minus strand). Cytogenetic location: 1p36.13.
Variant type: single nucleotide variant.
Coding change: c.943G>A on transcript NM_022089.4 (MANE Select); coding-DNA position 943, G replaced by A.
Protein change: p.Gly315Arg; replaces glycine 315 with arginine.
Molecular consequence: missense variant.
Genome position (GRCh38, 1-based): chr1:17,000,107, C>T on the plus strand (G>A on the coding strand, the complement: ATP13A2 is on the minus strand). VCF-style: chr1-17000107-C-T. GRCh37 (hg19) VCF-style: chr1-17326602-C-T.
Other names: c.928G>A, p.Gly310Arg (NM_001141973.3, NM_001141974.3); short protein forms G315R, G310R.
Identifiers: ClinVar variation 209136 (VCV000209136.8), dbSNP rs150519745, ClinGen allele CA276126.